The following is an entry in ClinVar:

NM_005732.4(RAD50):c.941C>G (p.Thr314Arg)

Gene: RAD50 (RAD50 double strand break repair protein; plus strand). Cytogenetic location: 5q31.1.
Variant type: single nucleotide variant.
Coding change: c.941C>G on transcript NM_005732.4 (MANE Select); coding-DNA position 941, C replaced by G.
Protein change: p.Thr314Arg; replaces threonine 314 with arginine.
Molecular consequence: missense variant.
Genome position (GRCh38, 1-based): chr5:132,587,979, C>G. VCF-style: chr5-132587979-C-G. GRCh37 (hg19) VCF-style: chr5-131923671-C-G.
Other names: short protein forms T314R.
Identifiers: ClinVar variation 234149 (VCV000234149.5), dbSNP rs876660884, ClinGen allele CA10578504.

ClinVar aggregate classification (germline): Uncertain significance (1 of 4 stars; one submission).

Conditions:
Hereditary cancer-predisposing syndrome. Also called: Neoplastic Syndromes, Hereditary; Tumor predisposition; Hereditary Cancer Syndrome; Hereditary neoplastic syndrome. Identifiers: Orphanet 140162, MedGen C0027672, MeSH D009386, MONDO:0015356.

Submission:

Ambry Genetics
Classification: Uncertain significance for Hereditary cancer-predisposing syndrome. Last evaluated: 2015-09-28. Review status: criteria provided, single submitter. Criteria: Ambry Variant Classification Scheme 2023. Collection method: clinical testing. Allele origin: germline.
Comment: The p.T314R variant (also known as c.941C>G), located in coding exon 7 of the RAD50 gene, results from a C to G substitution at nucleotide position 941. The threonine at codon 314 is replaced by arginine, an amino acid with similar properties. This variant was not reported in population based cohorts in the following databases: Database of Single Nucleotide Polymorphisms (dbSNP), NHLBI Exome Sequencing Project (ESP), and 1000 Genomes Project. In the ESP, this variant was not observed in 6503 samples (13006 alleles) with coverage at this position. To date, this alteration has been detected with an allele frequency of approximately 0.002% (greater than 65000 alleles tested) in our clinical cohort. This amino acid position is well conserved in available vertebrate species. In addition, this alteration is predicted to be tolerated by in silico analysis. Since supporting evidence is limited at this time, the clinical significance of p.T314R remains unclear.